The following is an entry in ClinVar:

ClinVar aggregate classification (germline): Benign/Likely benign. Review status: criteria provided, multiple submitters, no conflicts (2 of 4 stars). 3 submissions from 3 submitters: Benign (1); Likely benign (2). Last evaluated 2025-11-10.

Conditions:
Inborn genetic diseases. Identifiers: MedGen C0950123, MeSH D030342.

gnomAD v4.1: 73 of 998,114 alleles (0.0073%); highest among the groups gnomAD compares: African/African-American, 0.0039%; no homozygotes.

Submissions (3):

Labcorp Genetics (formerly Invitae), Labcorp
Classification: Benign. Last evaluated: 2025-11-10. Review status: criteria provided, single submitter. Criteria: Invitae Variant Classification Sherloc (09022015). Collection method: clinical testing. Allele origin: germline.

CeGaT Center for Human Genetics Tuebingen
Classification: Likely benign. Last evaluated: 2022-10-01. Review status: criteria provided, single submitter. Criteria: CeGaT Center For Human Genetics Tuebingen Variant Classification Criteria Version 2. Collection method: clinical testing. Allele origin: germline. Affected: yes. Observed: 1 variant allele.
Comment: FGD1: PP2, BP4, BS2

Ambry Genetics
Classification: Likely benign for Inborn genetic diseases. Last evaluated: 2022-04-22. Review status: criteria provided, single submitter. Criteria: Ambry Variant Classification Scheme 2023. Collection method: clinical testing. Allele origin: germline.

NM_004463.3(FGD1):c.527C>T (p.Pro176Leu)

Gene: FGD1 (FYVE, RhoGEF and PH domain containing 1; minus strand). Cytogenetic location: Xp11.22.
Variant type: single nucleotide variant.
Coding change: c.527C>T on transcript NM_004463.3 (MANE Select); coding-DNA position 527, C replaced by T.
Protein change: p.Pro176Leu; replaces proline 176 with leucine.
Molecular consequence: missense variant.
Genome position (GRCh38, 1-based): chrX:54,470,715, G>A on the plus strand (C>T on the coding strand, the complement: FGD1 is on the minus strand). VCF-style: chrX-54470715-G-A. GRCh37 (hg19) VCF-style: chrX-54497148-G-A.
Other names: short protein forms P176L.
Identifiers: ClinVar variation 2397084 (VCV002397084.29), dbSNP rs201843295, ClinGen allele CA10425254.